The following is an entry in ClinVar:

NM_001365999.1(SZT2):c.8499+8A>C

Gene: SZT2 (SZT2 subunit of KICSTOR complex; plus strand). Cytogenetic location: 1p34.2.
Variant type: single nucleotide variant.
Coding change: c.8499+8A>C on transcript NM_001365999.1 (MANE Select); 8 bases into the intron after coding-DNA position 8499, A replaced by C.
Molecular consequence: intron variant.
Genome position (GRCh38, 1-based): chr1:43,443,275, A>C. VCF-style: chr1-43443275-A-C. GRCh37 (hg19) VCF-style: chr1-43908946-A-C.
Other names: c.8328+8A>C (NM_015284.4).
Identifiers: ClinVar variation 260625 (VCV000260625.39), dbSNP rs182225944, ClinGen allele CA810561.

ClinVar aggregate classification (germline): Benign/Likely benign. Review status: criteria provided, multiple submitters, no conflicts (2 of 4 stars). 6 submissions from 6 submitters: Benign (2); Likely benign (4). Last evaluated 2026-01-05.

Conditions:
Developmental and epileptic encephalopathy, 18 (DEE18). Also called: Early infantile epileptic encephalopathy 18. Identifiers: Orphanet 369894, MedGen C3809624, MONDO:0014201, OMIM 615476.

Allele frequency attached by ClinVar (database versions not stated): gnomAD exomes 0.00024 and 0.00064; ExAC 0.00089; 1000 Genomes Project 0.00200; 1000 Genomes Project 30x 0.00219; gnomAD 0.00268 and 0.00297; TOPMed 0.00294; ESP Exome Variant Server 0.00354.
gnomAD v4.1: 759 of 1,614,030 alleles (0.047%); highest among the groups gnomAD compares: African/African-American, 0.93%; 7 homozygotes.

Submissions (6):

Labcorp Genetics (formerly Invitae), Labcorp
Classification: Benign. Last evaluated: 2026-01-05. Review status: criteria provided, single submitter. Criteria: Invitae Variant Classification Sherloc (09022015). Collection method: clinical testing. Allele origin: germline.

Blueprint Genetics
Classification: Likely benign. Last evaluated: 2024-09-16. Review status: criteria provided, single submitter. Criteria: ACMG Guidelines, 2015. Collection method: clinical testing. Allele origin: germline.

Genome-Nilou Lab
Classification: Likely benign for Developmental and epileptic encephalopathy, 18. Last evaluated: 2023-04-11. Review status: criteria provided, single submitter. Criteria: ACMG Guidelines, 2015. Collection method: clinical testing. Allele origin: germline. Affected: no.

CeGaT Center for Human Genetics Tuebingen
Classification: Likely benign. Last evaluated: 2023-03-01. Review status: criteria provided, single submitter. Criteria: CeGaT Center For Human Genetics Tuebingen Variant Classification Criteria Version 2. Collection method: clinical testing. Allele origin: germline. Affected: yes. Observed: 2 variant alleles.
Comment: SZT2: BP4, BS2

GeneDx
Classification: Likely benign. Last evaluated: 2020-12-12. Review status: criteria provided, single submitter. Criteria: GeneDx Variant Classification Process June 2021. Collection method: clinical testing. Allele origin: germline. Affected: yes.

PreventionGenetics, part of Exact Sciences
Classification: Benign. Review status: criteria provided, single submitter. Criteria: ACMG Guidelines, 2015. Collection method: clinical testing. Allele origin: germline.